The following is an entry in ClinVar:

NM_006766.5(KAT6A):c.2764G>T (p.Ala922Ser)

Gene: KAT6A (lysine acetyltransferase 6A; minus strand). Cytogenetic location: 8p11.21.
Variant type: single nucleotide variant.
Coding change: c.2764G>T on transcript NM_006766.5 (MANE Select); coding-DNA position 2764, G replaced by T.
Protein change: p.Ala922Ser; replaces alanine 922 with serine.
Molecular consequence: missense variant.
Genome position (GRCh38, 1-based): chr8:41,941,117, C>A on the plus strand (G>T on the coding strand, the complement: KAT6A is on the minus strand). VCF-style: chr8-41941117-C-A. GRCh37 (hg19) VCF-style: chr8-41798635-C-A.
Other names: short protein forms A922S.
Identifiers: ClinVar variation 3720525 (VCV003720525.2).

ClinVar aggregate classification (germline): Uncertain significance (1 of 4 stars; one submission).

Submission:

Labcorp Genetics (formerly Invitae), Labcorp
Classification: Uncertain significance. Last evaluated: 2024-12-13. Review status: criteria provided, single submitter. Criteria: Invitae Variant Classification Sherloc (09022015). Collection method: clinical testing. Allele origin: germline.
Comment: This sequence change replaces alanine, which is neutral and non-polar, with serine, which is neutral and polar, at codon 922 of the KAT6A protein (p.Ala922Ser). This variant is not present in population databases (gnomAD no frequency). This variant has not been reported in the literature in individuals affected with KAT6A-related conditions. Invitae Evidence Modeling of protein sequence and biophysical properties (such as structural, functional, and spatial information, amino acid conservation, physicochemical variation, residue mobility, and thermodynamic stability) indicates that this missense variant is not expected to disrupt KAT6A protein function with a negative predictive value of 95%. In summary, the available evidence is currently insufficient to determine the role of this variant in disease. Therefore, it has been classified as a Variant of Uncertain Significance.